The following is an entry in ClinVar:

ClinVar aggregate classification (germline): Uncertain significance. Review status: criteria provided, multiple submitters, no conflicts (2 of 4 stars). 4 submissions from 4 submitters: Uncertain significance (4). Last evaluated 2024-02-07.

Conditions:
Fanconi anemia complementation group P. Also called: SLX4-Related Fanconi Anemia. Identifiers: Orphanet 84, MedGen C3469542, MONDO:0013499, OMIM 613951.
Fanconi anemia (FA). Also called: Fanconi's anemia. Identifiers: Orphanet 84, MedGen C0015625, MeSH D005199, MONDO:0019391.
Inborn genetic diseases. Identifiers: MedGen C0950123, MeSH D030342.

Allele frequency attached by ClinVar (database versions not stated): gnomAD exomes 0.00002; gnomAD 0.00003.

Submissions (4):

Labcorp Genetics (formerly Invitae), Labcorp
Classification: Uncertain significance for Fanconi anemia. Last evaluated: 2024-02-07. Review status: criteria provided, single submitter. Criteria: Invitae Variant Classification Sherloc (09022015). Collection method: clinical testing. Allele origin: germline.
Comment: This sequence change replaces alanine, which is neutral and non-polar, with aspartic acid, which is acidic and polar, at codon 1630 of the SLX4 protein (p.Ala1630Asp). This variant is present in population databases (no rsID available, gnomAD 0.004%). This variant has not been reported in the literature in individuals affected with SLX4-related conditions. ClinVar contains an entry for this variant (Variation ID: 319148). An algorithm developed to predict the effect of missense changes on protein structure and function (PolyPhen-2) suggests that this variant is likely to be tolerated. In summary, the available evidence is currently insufficient to determine the role of this variant in disease. Therefore, it has been classified as a Variant of Uncertain Significance.

Blueprint Genetics
Classification: Uncertain significance. Last evaluated: 2023-11-23. Review status: criteria provided, single submitter. Criteria: ACMG Guidelines, 2015. Collection method: clinical testing. Allele origin: germline.

Ambry Genetics
Classification: Uncertain significance for Inborn genetic diseases. Last evaluated: 2021-10-20. Review status: criteria provided, single submitter. Criteria: Ambry Variant Classification Scheme 2023. Collection method: clinical testing. Allele origin: germline.

Illumina Laboratory Services, Illumina
Classification: Uncertain significance for Fanconi anemia complementation group P. Last evaluated: 2018-01-12. Review status: criteria provided, single submitter. Criteria: ICSL Variant Classification Criteria 13 December 2019. Collection method: clinical testing. Allele origin: germline.

NM_032444.4(SLX4):c.4889C>A (p.Ala1630Asp)

Gene: SLX4 (SLX4 structure-specific endonuclease subunit; minus strand). Cytogenetic location: 16p13.3.
Variant type: single nucleotide variant.
Coding change: c.4889C>A on transcript NM_032444.4 (MANE Select); coding-DNA position 4889, C replaced by A.
Protein change: p.Ala1630Asp; replaces alanine 1630 with aspartic acid.
Molecular consequence: missense variant.
Genome position (GRCh38, 1-based): chr16:3,583,361, G>T on the plus strand (C>A on the coding strand, the complement: SLX4 is on the minus strand). VCF-style: chr16-3583361-G-T. GRCh37 (hg19) VCF-style: chr16-3633362-G-T.
Other names: c.4889C>A (LRG_503t1); short protein forms A1630D.
Identifiers: ClinVar variation 319148 (VCV000319148.14), dbSNP rs886051977, ClinGen allele CA10648357.